The following is an entry in ClinVar:

ClinVar aggregate classification (germline): Uncertain significance (1 of 4 stars; one submission).

Submission:

Labcorp Genetics (formerly Invitae), Labcorp
Classification: Uncertain significance. Last evaluated: 2022-06-19. Review status: criteria provided, single submitter. Criteria: Invitae Variant Classification Sherloc (09022015). Collection method: clinical testing. Allele origin: germline.
Comment: This sequence change replaces aspartic acid, which is acidic and polar, with tyrosine, which is neutral and polar, at codon 107 of the COX20 protein (p.Asp107Tyr). This variant is present in population databases (rs373502901, gnomAD 0.01%). This variant has not been reported in the literature in individuals affected with COX20-related conditions. Algorithms developed to predict the effect of missense changes on protein structure and function (SIFT, PolyPhen-2, Align-GVGD) all suggest that this variant is likely to be disruptive. In summary, the available evidence is currently insufficient to determine the role of this variant in disease. Therefore, it has been classified as a Variant of Uncertain Significance.

NM_198076.6(COX20):c.319G>T (p.Asp107Tyr)

Gene: COX20 (cytochrome c oxidase assembly factor COX20; plus strand). Cytogenetic location: 1q44.
Variant type: single nucleotide variant.
Coding change: c.319G>T on transcript NM_198076.6 (MANE Select); coding-DNA position 319, G replaced by T.
Protein change: p.Asp107Tyr; replaces aspartic acid 107 with tyrosine.
Molecular consequence: missense variant. On other transcripts: 3 prime UTR variant (1), non-coding transcript variant (3).
Genome position (GRCh38, 1-based): chr1:244,843,138, G>T. VCF-style: chr1-244843138-G-T. GRCh37 (hg19) VCF-style: chr1-245006440-G-T.
Other names: c.319G>T, p.Asp107Tyr (NM_001312871.1); c.355G>T, p.Asp119Tyr (NM_001312872.1); c.184G>T, p.Asp62Tyr (NM_001312873.1); c.*129G>T (NM_001312874.1); short protein forms D107Y, D119Y, D62Y.
Identifiers: ClinVar variation 2185914 (VCV002185914.1), dbSNP rs373502901, ClinGen allele CA1486195.